The following is an entry in ClinVar:

NM_138477.4(CDAN1):c.2650_2654dup (p.Val886fs)

Gene: CDAN1 (codanin 1; minus strand). Cytogenetic location: 15q15.2.
Variant type: Duplication.
Coding change: c.2650_2654dup on transcript NM_138477.4 (MANE Select); coding-DNA positions 2650 to 2654, 5 bases duplicated (ACACT; older notation c.2650_2654dupACACT).
Protein change: p.Val886fs; shifts the reading frame from valine 886.
Molecular consequence: frameshift variant.
Genome position (GRCh38, 1-based): chr15:42,728,802-42,728,806, AGTGT duplicated on the plus strand (ACACT on the coding strand, the reverse complement: CDAN1 is on the minus strand); duplicating any 5 consecutive bases within chr15:42,728,802-42,728,808 gives the same sequence; the c. name uses the placement nearest the transcript's 3' end. VCF-style (leftmost placement, unchanged base first): chr15-42728801-C-CAGTGT. GRCh37 (hg19) VCF-style: chr15-43020999-C-CAGTGT.
Other names: p.Val886Hisfs*19; short protein forms V886fs.
Identifiers: ClinVar variation 3381125 (VCV003381125.1).
Genomic context (GRCh38, chr15:42,728,801, plus strand): 5'-TCCCTGTGTCACCAGCTGCTCTTGGAGAAGTGACTCTGCCTGGCGCACCAGATCTGCCAC[C>CAGTGT]AGTGTAGCCCTGCAGCAGGGACAGCAAGGTTGGGGATGGTTGGAGGGTTAATCGGAAAGA-3'

ClinVar aggregate classification (germline): Likely pathogenic (1 of 4 stars; one submission).

Submission:

Mayo Clinic Laboratories, Mayo Clinic
Classification: Likely pathogenic. Last evaluated: 2023-08-14. Review status: criteria provided, single submitter. Criteria: ACMG Guidelines, 2015. Collection method: clinical testing. Allele origin: germline. Observed: 1 variant allele.
Comment: PM2_moderate, PVS1